The following is an entry in ClinVar:

ClinVar aggregate classification (germline): Uncertain significance. Review status: criteria provided, multiple submitters, no conflicts (2 of 4 stars). 3 submissions from 3 submitters: Uncertain significance (3). Last evaluated 2025-07-29.

Conditions:
Inborn genetic diseases. Identifiers: MedGen C0950123, MeSH D030342.
MYH14-related disorder. Also called: MYH14-related condition.

Submissions (3):

PreventionGenetics, part of Exact Sciences
Classification: Uncertain significance for MYH14-related condition. Last evaluated: 2025-07-29. Review status: criteria provided, single submitter. Criteria: ACMG Guidelines, 2015. Collection method: clinical testing. Allele origin: germline.
Comment: The MYH14 c.3515G>A variant is predicted to result in the amino acid substitution p.Arg1172Gln. To our knowledge, this variant has not been reported in the literature. This variant is reported in 0.0068% of alleles in individuals of African descent in gnomAD. At this time, the clinical significance of this variant is uncertain due to the absence of conclusive functional and genetic evidence.

Ambry Genetics
Classification: Uncertain significance for Inborn genetic diseases. Last evaluated: 2025-01-08. Review status: criteria provided, single submitter. Criteria: Ambry Variant Classification Scheme 2023. Collection method: clinical testing. Allele origin: germline.

Labcorp Genetics (formerly Invitae), Labcorp
Classification: Uncertain significance. Last evaluated: 2024-02-24. Review status: criteria provided, single submitter. Criteria: Invitae Variant Classification Sherloc (09022015). Collection method: clinical testing. Allele origin: germline.
Comment: This sequence change replaces arginine, which is basic and polar, with glutamine, which is neutral and polar, at codon 1131 of the MYH14 protein (p.Arg1131Gln). This variant is present in population databases (rs377517917, gnomAD 0.007%). This variant has not been reported in the literature in individuals affected with MYH14-related conditions. Advanced modeling of protein sequence and biophysical properties (such as structural, functional, and spatial information, amino acid conservation, physicochemical variation, residue mobility, and thermodynamic stability) has been performed at Invitae for this missense variant, however the output from this modeling did not meet the statistical confidence thresholds required to predict the impact of this variant on MYH14 protein function. In summary, the available evidence is currently insufficient to determine the role of this variant in disease. Therefore, it has been classified as a Variant of Uncertain Significance.

NM_001145809.2(MYH14):c.3515G>A (p.Arg1172Gln)

Gene: MYH14 (myosin heavy chain 14; plus strand). Cytogenetic location: 19q13.33.
Variant type: single nucleotide variant.
Coding change: c.3515G>A on transcript NM_001145809.2 (MANE Select); coding-DNA position 3515, G replaced by A.
Protein change: p.Arg1172Gln; replaces arginine 1172 with glutamine.
Molecular consequence: missense variant.
Genome position (GRCh38, 1-based): chr19:50,276,038, G>A. VCF-style: chr19-50276038-G-A. GRCh37 (hg19) VCF-style: chr19-50779295-G-A.
Other names: c.3416G>A, p.Arg1139Gln (NM_001077186.2); c.3392G>A, p.Arg1131Gln (NM_024729.4); c.3515G>A (NM_001145809.1); c.3392G>A (NM_024729.3); short protein forms R1139Q, R1172Q, R1131Q.
Identifiers: ClinVar variation 2711314 (VCV002711314.5), dbSNP rs377517917, ClinGen allele CA9593242.